The following is an entry in ClinVar:

NM_000020.3(ACVRL1):c.526-6C>G

Gene: ACVRL1 (activin A receptor like type 1; plus strand). Cytogenetic location: 12q13.13.
Variant type: single nucleotide variant.
Coding change: c.526-6C>G on transcript NM_000020.3 (MANE Select); 6 bases into the intron before coding-DNA position 526, C replaced by G.
Molecular consequence: intron variant.
Genome position (GRCh38, 1-based): chr12:51,913,968, C>G. VCF-style: chr12-51913968-C-G. GRCh37 (hg19) VCF-style: chr12-52307752-C-G.
Other names: c.526-6C>G (NM_001077401.2).
Identifiers: ClinVar variation 1205489 (VCV001205489.5), dbSNP rs1438077609, ClinGen allele CA2499221747.
Genomic context (GRCh38, chr12:51,913,968, plus strand): 5'-TCGAGGATAGAGAAGGGGGCTGTGGCTGGTTGTGGCAGCCTCTCAGTGGCCTCTCCGTAC[C>G]CCCAGGACCTCCTGGACAGTGACTGCACCACAGGGAGTGGCTCAGGGCTCCCCTTCCTGG-3'

ClinVar aggregate classification (germline): Conflicting classifications of pathogenicity. Review status: criteria provided, conflicting classifications (1 of 4 stars). 2 submissions from 2 submitters: Likely pathogenic (1); Uncertain significance (1). Last evaluated 2018-07-03.

Conditions:
Cardiovascular phenotype. Identifiers: MedGen CN230736.

gnomAD v4.1: 1 of 1,612,822 alleles (0.000062%); highest among the groups gnomAD compares: South Asian, 0.0011%; no homozygotes.

Submissions (2):

GeneDx
Classification: Uncertain significance. Last evaluated: 2018-07-03. Review status: criteria provided, single submitter. Criteria: GeneDx Variant Classification Process June 2021. Collection method: clinical testing. Allele origin: germline. Affected: yes.

Ambry Genetics
Classification: Likely pathogenic for Cardiovascular phenotype. Last evaluated: 2017-05-03. Review status: criteria provided, single submitter. Criteria: Ambry Variant Classification Scheme 2023. Collection method: clinical testing. Allele origin: germline.
Comment: The c.526-6C>G intronic variant results from a C to G substitution 6 nucleotides upstream from coding exon 4 in the ACVRL1 gene. This variant co-segregated with hereditary hemorrhagic telangiectasia (HHT) in one family tested in our laboratory, and it has also been determined to be the result of a de novo mutation or germline mosaicism in one family with an isolated case suspected of having HHT (Ambry internal data). Using the BDGP and ESEfinder splice site prediction tools, this alteration is predicted to weaken the efficiency of the native splice acceptor site; however, direct evidence is unavailable. In addition, this variant was not reported in the gnomAD database, with coverage at this position. Based on the majority of available evidence to date, this variant is likely to be pathogenic.